The following is an entry in ClinVar:

NM_005263.5(GFI1):c.548G>T (p.Gly183Val)

Gene: GFI1 (growth factor independent 1 transcriptional repressor; minus strand). Cytogenetic location: 1p22.1.
Variant type: single nucleotide variant.
Coding change: c.548G>T on transcript NM_005263.5 (MANE Select); coding-DNA position 548, G replaced by T.
Protein change: p.Gly183Val; replaces glycine 183 with valine.
Molecular consequence: missense variant.
Genome position (GRCh38, 1-based): chr1:92,480,839, C>A on the plus strand (G>T on the coding strand, the complement: GFI1 is on the minus strand). VCF-style: chr1-92480839-C-A. GRCh37 (hg19) VCF-style: chr1-92946396-C-A.
Other names: c.548G>T, p.Gly183Val (NM_001127215.3, NM_001127216.3); short protein forms G183V.
Identifiers: ClinVar variation 2714421 (VCV002714421.3), dbSNP rs1262865717, ClinGen allele CA341149615.

ClinVar aggregate classification (germline): Uncertain significance (1 of 4 stars; one submission).

Conditions:
Neutropenia, severe congenital, 2, autosomal dominant. Identifiers: Orphanet 486, MedGen C2751288, MONDO:0013139, OMIM 613107.

Allele frequency attached by ClinVar (database versions not stated): gnomAD 0.00001.
gnomAD v4.1: 1 of 1,506,088 alleles (0.000066%); highest among the groups gnomAD compares: African/African-American, 0.0014%; no homozygotes.

Submission:

Labcorp Genetics (formerly Invitae), Labcorp
Classification: Uncertain significance for Neutropenia, severe congenital, 2, autosomal dominant. Last evaluated: 2023-06-23. Review status: criteria provided, single submitter. Criteria: Invitae Variant Classification Sherloc (09022015). Collection method: clinical testing. Allele origin: germline.
Comment: In summary, the available evidence is currently insufficient to determine the role of this variant in disease. Therefore, it has been classified as a Variant of Uncertain Significance. Advanced modeling of protein sequence and biophysical properties (such as structural, functional, and spatial information, amino acid conservation, physicochemical variation, residue mobility, and thermodynamic stability) performed at Invitae indicates that this missense variant is not expected to disrupt GFI1 protein function. This variant has not been reported in the literature in individuals affected with GFI1-related conditions. This variant is present in population databases (no rsID available, gnomAD 0.01%). This sequence change replaces glycine, which is neutral and non-polar, with valine, which is neutral and non-polar, at codon 183 of the GFI1 protein (p.Gly183Val).